The following is an entry in ClinVar:

NM_004667.6(HERC2):c.165C>T (p.Asn55=)

Gene: HERC2 (HECT and RLD domain containing E3 ubiquitin protein ligase 2; minus strand). Cytogenetic location: 15q13.1.
Variant type: single nucleotide variant.
Coding change: c.165C>T on transcript NM_004667.6 (MANE Select); coding-DNA position 165, C replaced by T.
Protein change: p.Asn55=; no amino-acid change (asparagine 55 retained).
Molecular consequence: synonymous variant.
Genome position (GRCh38, 1-based): chr15:28,299,424, G>A on the plus strand (C>T on the coding strand, the complement: HERC2 is on the minus strand). VCF-style: chr15-28299424-G-A. GRCh37 (hg19) VCF-style: chr15-28544570-G-A.
Identifiers: ClinVar variation 3025826 (VCV003025826.22), dbSNP rs141325407, ClinGen allele CA7443760.

ClinVar aggregate classification (germline): Likely benign (1 of 4 stars; one submission).

Allele frequency attached by ClinVar (database versions not stated): gnomAD 0.00010; TOPMed 0.00015; 1000 Genomes Project 0.00020; 1000 Genomes Project 30x 0.00031; ExAC 0.00007; ESP Exome Variant Server 0.00008.
gnomAD v4.1: 152 of 1,585,696 alleles (0.0096%); highest among the groups gnomAD compares: Admixed American, 0.035%; no homozygotes.

Submission:

CeGaT Center for Human Genetics Tuebingen
Classification: Likely benign. Last evaluated: 2025-09-01. Review status: criteria provided, single submitter. Criteria: CeGaT Center For Human Genetics Tuebingen Variant Classification Criteria Version 2. Collection method: clinical testing. Allele origin: germline. Affected: yes. Observed: 2 variant alleles.
Comment: HERC2: BP4, BP7